The following is an entry in ClinVar:

NM_000380.4(XPA):c.335_338delinsAAAGAATAC (p.Phe112_Met113delinsTer)

Gene: XPA (XPA, DNA damage recognition and repair factor; minus strand). Cytogenetic location: 9q22.33.
Variant type: Indel.
Coding change: c.335_338delinsAAAGAATAC on transcript NM_000380.4 (MANE Select); coding-DNA positions 335 to 338, TTAT replaced by AAAGAATAC.
Protein change: p.Phe112_Met113delinsTer.
Molecular consequence: nonsense. On other transcripts: non-coding transcript variant (2).
Genome position (GRCh38, 1-based): chr9:97,689,585-97,689,588, ATAA replaced by GTATTCTTT on the plus strand (TTAT replaced by AAAGAATAC on the coding strand, the reverse complement: XPA is on the minus strand). VCF-style: chr9-97689585-ATAA-GTATTCTTT. GRCh37 (hg19) VCF-style: chr9-100451867-ATAA-GTATTCTTT.
Other names: c.209_212delinsAAAGAATAC, p.Phe70_Met71delinsTer (NM_001354975.2).
Identifiers: ClinVar variation 3367159 (VCV003367159.1).

ClinVar aggregate classification (germline): Likely pathogenic (1 of 4 stars; one submission).

Conditions:
Xeroderma pigmentosum group A (XPA). Also called: XPA-Related Xeroderma Pigmentosum; Xeroderma pigmentosum, complementation group A; XP, group A. Identifiers: Orphanet 910, MedGen C0268135, MONDO:0010210, OMIM 278700.

Submission:

Kasturba Medical College, Manipal, Kasturba Medical College, Manipal, Manipal Academy of Higher Education, Manipal, India
Classification: Likely pathogenic for Xeroderma pigmentosum group A. Review status: criteria provided, single submitter. Criteria: ACMG Guidelines, 2015. Collection method: clinical testing. Allele origin: biparental. Inheritance: Autosomal recessive inheritance. Affected: yes. Observed: 1 homozygote.
Comment: In-silico analysis tools (MutationTaster, SIFT-Indel) predict the variant to be disease-causing. Bi-allelic disease-causing variants in XPA have been reported to cause Xeroderma pigmentosum, group A.